The following is an entry in ClinVar:

NM_001040142.2(SCN2A):c.1712G>A (p.Arg571His)

Gene: SCN2A (sodium voltage-gated channel alpha subunit 2; plus strand). Cytogenetic location: 2q24.3.
Variant type: single nucleotide variant.
Coding change: c.1712G>A on transcript NM_001040142.2 (MANE Select); coding-DNA position 1712, G replaced by A.
Protein change: p.Arg571His; replaces arginine 571 with histidine.
Molecular consequence: missense variant.
Genome position (GRCh38, 1-based): chr2:165,323,196, G>A. VCF-style: chr2-165323196-G-A. GRCh37 (hg19) VCF-style: chr2-166179706-G-A.
Other names: p.R571H:CGC>CAC; c.1712G>A, p.Arg571His (NM_001040143.2, NM_001371246.1, NM_001371247.1 and 1 more transcripts); short protein forms R571H.
Identifiers: ClinVar variation 207062 (VCV000207062.48), dbSNP rs138138150, ClinGen allele CA318138.

ClinVar aggregate classification (germline): Uncertain significance. Review status: criteria provided, multiple submitters, no conflicts (2 of 4 stars). 6 submissions from 6 submitters: Uncertain significance (5). 1 of the submissions does not count toward it. Last evaluated 2026-01-04.

Conditions:
Developmental and epileptic encephalopathy, 11 (DEE11). Also called: Early infantile epileptic encephalopathy 11. Identifiers: Orphanet 1934, MedGen C3150987, MONDO:0013388, OMIM 613721.
Seizures, benign familial infantile, 3 (BFIS3). Also called: CONVULSIONS, BENIGN FAMILIAL INFANTILE, 3; Familial neonatal seizures. Identifiers: Orphanet 140927, Orphanet 306, MedGen C1843140, MONDO:0011904, OMIM 607745.

Allele frequency attached by ClinVar (database versions not stated): gnomAD exomes 0.00006; ExAC 0.00007; ESP Exome Variant Server 0.00008; TOPMed 0.00010; gnomAD 0.00013.
gnomAD v4.1: 80 of 1,614,012 alleles (0.005%); highest among the groups gnomAD compares: African/African-American, 0.0067%; no homozygotes.

Submissions (7):

Labcorp Genetics (formerly Invitae), Labcorp
Classification: Uncertain significance for Seizures, benign familial infantile, 3; Developmental and epileptic encephalopathy, 11. Last evaluated: 2026-01-04. Review status: criteria provided, single submitter. Criteria: Invitae Variant Classification Sherloc (09022015). Collection method: clinical testing. Allele origin: germline.
Comment: This sequence change replaces arginine, which is basic and polar, with histidine, which is basic and polar, at codon 571 of the SCN2A protein (p.Arg571His). This variant is present in population databases (rs138138150, gnomAD 0.01%). This missense change has been observed in individual(s) with autism (PMID: 30564305). This variant is also known as g.166179706. ClinVar contains an entry for this variant (Variation ID: 207062). Invitae Evidence Modeling of protein sequence and biophysical properties (such as structural, functional, and spatial information, amino acid conservation, physicochemical variation, residue mobility, and thermodynamic stability) indicates that this missense variant is expected to disrupt SCN2A protein function with a positive predictive value of 95%. In summary, the available evidence is currently insufficient to determine the role of this variant in disease. Therefore, it has been classified as a Variant of Uncertain Significance.

Women's Health and Genetics/Laboratory Corporation of America, LabCorp
Classification: Uncertain significance. Last evaluated: 2025-03-25. Review status: criteria provided, single submitter. Criteria: LabCorp Variant Classification Summary - May 2015. Collection method: clinical testing. Allele origin: germline.
Comment: Variant summary: SCN2A c.1712G>A (p.Arg571His) results in a non-conservative amino acid change in the encoded protein sequence. Three of five in-silico tools predict a damaging effect of the variant on protein function. The variant allele was found at a frequency of 6.4e-05 in 251154 control chromosomes, predominantly at a frequency of 0.00012 within the Non-Finnish European subpopulation in the gnomAD database. This frequency is not significantly higher than estimated for a pathogenic variant in SCN2A causing Early Infantile Epileptic Encephalopathy 11, allowing no conclusion about variant significance. c.1712G>A has been reported in the literature at a heterozygous state in an individual affected with autism and the carrier mother, without strong evidence for causality (Guo_2018). These report(s) do not provide unequivocal conclusions about association of the variant with Early Infantile Epileptic Encephalopathy 11. At least one publication reports experimental evidence evaluating an impact on protein function. These results showed no damaging effect of this variant in HEK293T cells (Thompson_2023). The following publications have been ascertained in the context of this evaluation (PMID: 30564305, 37578743). ClinVar contains an entry for this variant (Variation ID: 207062). Based on the evidence outlined above, the variant was classified as uncertain significance.

CeGaT Center for Human Genetics Tuebingen
Classification: Uncertain significance. Last evaluated: 2022-01-01. Review status: criteria provided, single submitter. Criteria: CeGaT Center For Human Genetics Tuebingen Variant Classification Criteria Version 2. Collection method: clinical testing. Allele origin: germline. Affected: yes. Observed: 1 variant allele.

GeneDx
Classification: Uncertain significance. Last evaluated: 2021-06-25. Review status: criteria provided, single submitter. Criteria: GeneDx Variant Classification Process June 2021. Collection method: clinical testing. Allele origin: germline. Affected: yes.
Comment: Reported in an individual with autism in the published literature (Guo H et al., 2018); Missense variants in this gene are often considered pathogenic (Stenson et al., 2014); In silico analysis supports that this missense variant has a deleterious effect on protein structure/function; This substitution is predicted to be in the cytoplasmic loop between the first and second homologous domains; This variant is associated with the following publications: (PMID: 30564305, 24077912, 27535533)

Fulgent Genetics
Classification: Uncertain significance for Seizures, benign familial infantile, 3; Developmental and epileptic encephalopathy, 11. Last evaluated: 2018-10-31. Review status: criteria provided, single submitter. Criteria: ACMG Guidelines, 2015. Collection method: clinical testing. Allele origin: unknown.

Diagnostics Centre, Carl Von Ossietzky University Oldenburg
Classification: Uncertain significance. Last evaluated: 2026-06-09. Review status: no assertion criteria provided. Collection method: clinical testing. Allele origin: germline. Affected: yes. Observed: 1 variant allele. Not counted in ClinVar's aggregate classification.

Channelopathy-Associated Epilepsy Research Center
No classification provided (evidence only). Condition: Complex neurodevelopmental disorder. Review status: no classification provided. Collection method: literature only. Allele origin: not applicable. Functional consequence: Normal peak current, Normal voltage dependence of activation, Normal slope of activation, Normal voltage dependence of fast inactivation, Increase in slope of fast inactivation, Normal rate of recovery from fast inactivation, Normal recovery from slow inactivation, Normal fast inactivation, Normal ramp current, Normal persistent current. Not counted in ClinVar's aggregate classification.
ClinVar note: "not provided" was previously submitted as the classification for the variant. However, the classification appeared to be based only on an observation of functional data so it was converted to no classification on 2025-07-30.

Literature cited by the submitters: PubMed 30564305 (cited by Labcorp Genetics (formerly Invitae), Labcorp and Women's Health and Genetics/Laboratory Corporation of America, LabCorp); PubMed 37578743 (cited by Women's Health and Genetics/Laboratory Corporation of America, LabCorp and Channelopathy-Associated Epilepsy Research Center).